The following is an entry in ClinVar:

ClinVar aggregate classification (germline): Uncertain significance. Review status: criteria provided, multiple submitters, no conflicts (2 of 4 stars). 2 submissions from 2 submitters: Uncertain significance (2). Last evaluated 2025-11-03.

gnomAD v4.1: 2 of 1,611,014 alleles (0.00012%); highest among the groups gnomAD compares: South Asian, 0.0022%; no homozygotes.

Submissions (2):

Ambry Genetics
Classification: Uncertain significance. Last evaluated: 2025-11-03. Review status: criteria provided, single submitter. Criteria: Ambry Variant Classification Scheme 2023. Collection method: clinical testing. Allele origin: germline.

CeGaT Center for Human Genetics Tuebingen
Classification: Uncertain significance. Last evaluated: 2024-11-01. Review status: criteria provided, single submitter. Criteria: CeGaT Center For Human Genetics Tuebingen Variant Classification Criteria Version 2. Collection method: clinical testing. Allele origin: germline. Affected: yes. Observed: 1 variant allele.
Comment: DAB1: PM2, BP4

NM_001365792.1(DAB1):c.308C>T (p.Ala103Val)

Gene: DAB1 (DAB adaptor protein 1; minus strand). Cytogenetic location: 1p32.2.
Variant type: single nucleotide variant.
Coding change: c.308C>T on transcript NM_001365792.1 (MANE Select); coding-DNA position 308, C replaced by T.
Protein change: p.Ala103Val; replaces alanine 103 with valine.
Molecular consequence: missense variant.
Genome position (GRCh38, 1-based): chr1:57,072,413, G>A on the plus strand (C>T on the coding strand, the complement: DAB1 is on the minus strand). VCF-style: chr1-57072413-G-A. GRCh37 (hg19) VCF-style: chr1-57538086-G-A.
Other names: c.308C>T (NM_021080.3); c.308C>T, p.Ala103Val (NM_001353983.2, NM_001353985.2, NM_001353986.2 and 4 more transcripts); short protein forms A103V.
Identifiers: ClinVar variation 3390240 (VCV003390240.14).